The following is an entry in ClinVar:

ClinVar aggregate classification (germline): Pathogenic (1 of 4 stars; one submission).

Conditions:
Gorlin syndrome. Also called: Basal cell nevus syndrome; Nevoid Basal Cell Carcinoma Syndrome. Identifiers: Orphanet 377, MedGen C0004779, MONDO:0007187.

Submission:

Labcorp Genetics (formerly Invitae), Labcorp
Classification: Pathogenic for Gorlin syndrome. Last evaluated: 2025-03-26. Review status: criteria provided, single submitter. Criteria: Invitae Variant Classification Sherloc (09022015). Collection method: clinical testing. Allele origin: germline.
Comment: This sequence change creates a premature translational stop signal (p.Ile969Serfs*22) in the PTCH1 gene. It is expected to result in an absent or disrupted protein product. Loss-of-function variants in PTCH1 are known to be pathogenic (PMID: 16301862, 16419085). This variant is not present in population databases (gnomAD no frequency). This variant has not been reported in the literature in individuals affected with PTCH1-related conditions. For these reasons, this variant has been classified as Pathogenic.

Literature cited by the submitters: PubMed 16301862; PubMed 16419085.

NM_000264.5(PTCH1):c.2906_2918del (p.Ile969fs)

Gene: PTCH1 (patched 1; minus strand). Cytogenetic location: 9q22.32.
Variant type: Deletion.
Coding change: c.2906_2918del on transcript NM_000264.5 (MANE Select); coding-DNA positions 2906 to 2918, 13 bases deleted (TCGAGTATGCCCA).
Protein change: p.Ile969fs; shifts the reading frame from isoleucine 969.
Molecular consequence: frameshift variant. On other transcripts: non-coding transcript variant (1).
Genome position (GRCh38, 1-based): chr9:95,458,263-95,458,275, TGGGCATACTCGA deleted on the plus strand (TCGAGTATGCCCA on the coding strand, the reverse complement: PTCH1 is on the minus strand); deleting any 13 consecutive bases within chr9:95,458,263-95,458,280 gives the same sequence; the c. name uses the placement nearest the transcript's 3' end. VCF-style (leftmost placement, unchanged base first): chr9-95458262-CTGGGCATACTCGA-C. GRCh37 (hg19) VCF-style: chr9-98220544-CTGGGCATACTCGA-C.
Other names: c.2708_2720del, p.Ile903fs (NM_001083602.3); c.2903_2915del, p.Ile968fs (NM_001083603.3); c.2453_2465del, p.Ile818fs (NM_001083604.3, NM_001083605.3, NM_001083606.3 and 1 more transcripts); c.2750_2762del, p.Ile917fs (NM_001354918.2); short protein forms I903fs, I969fs, I818fs, I917fs, I968fs.
Identifiers: ClinVar variation 4715977 (VCV004715977.1).